The following is an entry in ClinVar:

NM_001005273.3(CHD3):c.2894T>A (p.Leu965Gln)

Gene: CHD3 (chromodomain helicase DNA binding protein 3; plus strand). Cytogenetic location: 17p13.1.
Variant type: single nucleotide variant.
Coding change: c.2894T>A on transcript NM_001005273.3 (MANE Select); coding-DNA position 2894, T replaced by A.
Protein change: p.Leu965Gln; replaces leucine 965 with glutamine.
Molecular consequence: missense variant.
Genome position (GRCh38, 1-based): chr17:7,900,647, T>A. VCF-style: chr17-7900647-T-A. GRCh37 (hg19) VCF-style: chr17-7803965-T-A.
Other names: c.3071T>A, p.Leu1024Gln (NM_001005271.3, NM_001437504.1); c.3059T>A, p.Leu1020Gln (NM_001437507.1, NM_001437508.1, NM_001437509.1); c.2894T>A, p.Leu965Gln (NM_005852.4); short protein forms L1020Q, L1024Q, L965Q.
Identifiers: ClinVar variation 4293901 (VCV004293901.1).
Genomic context (GRCh38, chr17:7,900,647, plus strand): 5'-CTGACATATCCAAAGAGGACCAGATCAAGAAACTGCATGATTTGCTGGGGCCACACATGC[T>A]GCGGAGACTCAAGGCAGATGTCTTTAAGAACATGCCAGCCAAGACAGAGCTCATCGTTCG-3'
Protein context (NP_001005273.1, residues 955-975): KLHDLLGPHM[Leu965Gln]RRLKADVFKN

ClinVar aggregate classification (germline): Uncertain significance (1 of 4 stars; one submission).

Conditions:
Snijders Blok-Campeau syndrome. Also called: INTELLECTUAL DEVELOPMENTAL DISORDER WITH MACROCEPHALY, SPEECH DELAY, AND DYSMORPHIC FACIES. Identifiers: Orphanet 599082, MedGen C4748701, MONDO:0032600, OMIM 618205.

Submission:

3billion
Classification: Uncertain significance for Snijders Blok-Campeau syndrome. Last evaluated: 2024-07-23. Review status: criteria provided, single submitter. Criteria: ACMG Guidelines, 2015. Collection method: clinical testing. Allele origin: germline. Affected: yes.
Comment: The variant is not observed in the gnomAD v4.0.0 dataset. Predicted Consequence/Location: Missense changes are a common disease-causing mechanism. In silico tool predictions suggest damaging effect of the variant on gene or gene product [REVEL: 0.92 (>=0.6, sensitivity 0.68 and specificity 0.92); 3Cnet: 0.99 (>=0.6, sensitivity 0.72 and precision 0.9)]. Therefore, this variant is classified as VUS according to the recommendation of ACMG/AMP guideline.